The following is an entry in ClinVar:

ClinVar aggregate classification (germline): Pathogenic (1 of 4 stars; one submission).

gnomAD v4.1: 1 of 1,613,432 alleles (0.000062%); highest among the groups gnomAD compares: East Asian, 0.0022%; no homozygotes.

Submission:

Labcorp Genetics (formerly Invitae), Labcorp
Classification: Pathogenic. Last evaluated: 2025-02-20. Review status: criteria provided, single submitter. Criteria: Invitae Variant Classification Sherloc (09022015). Collection method: clinical testing. Allele origin: germline.
Comment: This sequence change affects an acceptor splice site in intron 14 of the LRP5 gene. It is expected to disrupt RNA splicing. Variants that disrupt the donor or acceptor splice site typically lead to a loss of protein function (PMID: 16199547), and loss-of-function variants in LRP5 are known to be pathogenic (PMID: 11719191, 16252235, 25711638). This variant is not present in population databases (gnomAD no frequency). Disruption of this splice site has been observed in individuals with LRP5-related conditions (PMID: 34860240; internal data). Algorithms developed to predict the effect of sequence changes on RNA splicing suggest that this variant may disrupt the consensus splice site. For these reasons, this variant has been classified as Pathogenic.

Literature cited by the submitters: PubMed 16199547; PubMed 11719191; PubMed 16252235; PubMed 25711638; PubMed 34860240.

NM_002335.4(LRP5):c.3237-2A>G

Gene: LRP5 (LDL receptor related protein 5; plus strand). Cytogenetic location: 11q13.2.
Variant type: single nucleotide variant.
Coding change: c.3237-2A>G on transcript NM_002335.4 (MANE Select); the canonical splice acceptor site of the intron before coding-DNA position 3237, A replaced by G.
Molecular consequence: splice acceptor variant.
Genome position (GRCh38, 1-based): chr11:68,425,100, A>G. VCF-style: chr11-68425100-A-G. GRCh37 (hg19) VCF-style: chr11-68192568-A-G.
Other names: c.1494-2A>G (NM_001291902.2).
Identifiers: ClinVar variation 4710768 (VCV004710768.1).